The following is an entry in ClinVar:

ClinVar aggregate classification (germline): Benign/Likely benign. Review status: criteria provided, multiple submitters, no conflicts (2 of 4 stars). 3 submissions from 3 submitters: Benign (2); Likely benign (1). Last evaluated 2023-04-01.

Allele frequency attached by ClinVar (database versions not stated): ExAC 0.00046; gnomAD exomes 0.00049; ESP Exome Variant Server 0.00115; gnomAD 0.00121 and 0.00132; TOPMed 0.00137; 1000 Genomes Project 0.00140; 1000 Genomes Project 30x 0.00156.
gnomAD v4.1: 471 of 1,580,888 alleles (0.03%); highest among the groups gnomAD compares: African/African-American, 0.44%; no homozygotes.

Submissions (3):

CeGaT Center for Human Genetics Tuebingen
Classification: Likely benign. Last evaluated: 2023-04-01. Review status: criteria provided, single submitter. Criteria: CeGaT Center For Human Genetics Tuebingen Variant Classification Criteria Version 2. Collection method: clinical testing. Allele origin: germline. Affected: yes. Observed: 1 variant allele.
Comment: SHANK1: BP4, BP7, BS1

Labcorp Genetics (formerly Invitae), Labcorp
Classification: Benign. Last evaluated: 2018-12-20. Review status: criteria provided, single submitter. Criteria: Invitae Variant Classification Sherloc (09022015). Collection method: clinical testing. Allele origin: germline.

Breakthrough Genomics
Classification: Benign. Review status: criteria provided, single submitter. Criteria: ACMG Guidelines, 2015. Collection method: not provided. Allele origin: germline. Inheritance: Unknown mechanism. Affected: yes.

NM_016148.5(SHANK1):c.795G>A (p.Ala265=)

Gene: SHANK1 (SH3 and multiple ankyrin repeat domains 1; minus strand). Cytogenetic location: 19q13.33.
Variant type: single nucleotide variant.
Coding change: c.795G>A on transcript NM_016148.5 (MANE Select); coding-DNA position 795, G replaced by A.
Protein change: p.Ala265=; no amino-acid change (alanine 265 retained).
Molecular consequence: synonymous variant.
Genome position (GRCh38, 1-based): chr19:50,712,112, C>T on the plus strand (G>A on the coding strand, the complement: SHANK1 is on the minus strand). VCF-style: chr19-50712112-C-T. GRCh37 (hg19) VCF-style: chr19-51215369-C-T.
Identifiers: ClinVar variation 747462 (VCV000747462.28), dbSNP rs35701530, ClinGen allele CA9602053.